The following is an entry in ClinVar:

NM_001177316.2(SLC34A3):c.175+1G>T

Gene: SLC34A3 (solute carrier family 34 member 3; plus strand). Cytogenetic location: 9q34.3.
Variant type: single nucleotide variant.
Coding change: c.175+1G>T on transcript NM_001177316.2 (MANE Select); the canonical splice donor site of the intron after coding-DNA position 175, G replaced by T.
Molecular consequence: splice donor variant.
Genome position (GRCh38, 1-based): chr9:137,232,162, G>T. VCF-style: chr9-137232162-G-T. GRCh37 (hg19) VCF-style: chr9-140126614-G-T.
Other names: c.175+1G>T (NM_001177317.2, NM_080877.3).
Identifiers: ClinVar variation 2845406 (VCV002845406.3), dbSNP rs2538798060, ClinGen allele CA375726171.
Genomic context (GRCh38, chr9:137,232,162, plus strand): 5'-AAGGGGACACAGACCCCTGGACCCTCCCTCAGCTGAAGGACACAAGCCAGCCCTGGAAAG[G>T]TGGGTCTGGAGGTTCCGGGGGTGGCAGGCTGGCAGGCCTCTGTCCCCAACGGGACTGGGG-3'

ClinVar aggregate classification (germline): Likely pathogenic (1 of 4 stars; one submission).

Submission:

Labcorp Genetics (formerly Invitae), Labcorp
Classification: Likely pathogenic. Last evaluated: 2023-03-13. Review status: criteria provided, single submitter. Criteria: Invitae Variant Classification Sherloc (09022015). Collection method: clinical testing. Allele origin: germline.
Comment: In summary, the currently available evidence indicates that the variant is pathogenic, but additional data are needed to prove that conclusively. Therefore, this variant has been classified as Likely Pathogenic. Algorithms developed to predict the effect of sequence changes on RNA splicing suggest that this variant may disrupt the consensus splice site. Disruption of this splice site has been observed in individual(s) with nephrocalcinosis (PMID: 24924704). This variant is not present in population databases (gnomAD no frequency). This sequence change affects a donor splice site in intron 3 of the SLC34A3 gene. It is expected to disrupt RNA splicing. Variants that disrupt the donor or acceptor splice site typically lead to a loss of protein function (PMID: 16199547), and loss-of-function variants in SLC34A3 are known to be pathogenic (PMID: 16358214, 16358215, 22159077).

Literature cited by the submitters: PubMed 24924704; PubMed 16199547; PubMed 16358214; PubMed 16358215; PubMed 22159077.